The following is an entry in ClinVar:

ClinVar aggregate classification (germline): Uncertain significance. Review status: criteria provided, multiple submitters, no conflicts (2 of 4 stars). 4 submissions from 4 submitters: Uncertain significance (4). Last evaluated 2025-05-03.

Conditions:
Hereditary cancer-predisposing syndrome. Also called: Neoplastic Syndromes, Hereditary; Tumor predisposition; Hereditary Cancer Syndrome; Hereditary neoplastic syndrome. Identifiers: Orphanet 140162, MedGen C0027672, MeSH D009386, MONDO:0015356.
Familial melanoma. Also called: Hereditary melanoma; Hereditary cutaneous melanoma. Identifiers: Orphanet 618, MedGen C1512419, MONDO:0018961.

Allele frequency attached by ClinVar (database versions not stated): gnomAD exomes below 0.00001; ExAC 0.00001; gnomAD 0.00001; TOPMed 0.00001.

Submissions (4):

Ambry Genetics
Classification: Uncertain significance for Hereditary cancer-predisposing syndrome. Last evaluated: 2025-05-03. Review status: criteria provided, single submitter. Criteria: Ambry Variant Classification Scheme 2023. Collection method: clinical testing. Allele origin: germline.
Comment: The p.A60T variant (also known as c.178G>A), located in coding exon 2 of the CDKN2A gene, results from a G to A substitution at nucleotide position 178. The alanine at codon 60 is replaced by threonine, an amino acid with similar properties. In one study, this alteration was reported in 2 individuals without a history of melanoma, and not detected in any familial melanoma cases. Authors also performed a cell cycle arrest assay, which showed that this alteration causes a significant reduction in cell cycle arrest compared to wild-type (Miller PJ et al. Hum. Mutat. 2011 Aug;32(8):900-11). This amino acid position is highly conserved in available vertebrate species. In addition, the in silico prediction for this alteration is inconclusive. Of note, this alteration is also known as p.G74D (c.221G>A)in the p14(ARF) isoform. Since supporting evidence is limited at this time, the clinical significance of this alteration remains unclear.

Labcorp Genetics (formerly Invitae), Labcorp
Classification: Uncertain significance for Familial melanoma. Last evaluated: 2024-05-15. Review status: criteria provided, single submitter. Criteria: Invitae Variant Classification Sherloc (09022015). Collection method: clinical testing. Allele origin: germline.
Comment: The CDKN2A gene encodes two different proteins, p16INK4a and p14ARF, which are translated from alternative transcripts with different open reading frames. Both transcripts have been analyzed. We report either the variant with the higher classification or default to the CDKN2A (p16INK4a) variant. This report therefore includes the details for the CDKN2A (p16INK4a) variant. This sequence change replaces alanine, which is neutral and non-polar, with threonine, which is neutral and polar, at codon 60 of the CDKN2A (p16INK4a) protein (p.Ala60Thr). This variant is present in population databases (rs769382085, gnomAD 0.008%). This missense change has been observed in individual(s) with melanoma (PMID: 8023167). This variant is also known as c.221G>A (p.Gly74Asp) in the CDKN2A (p14ARF) transcript. ClinVar contains an entry for this variant (Variation ID: 406705). An algorithm developed to predict the effect of missense changes on protein structure and function (PolyPhen-2) suggests that this variant is likely to be disruptive. Experimental studies have shown that this missense change affects CDKN2A (p16INK4a) function (PMID: 21462282). In summary, the available evidence is currently insufficient to determine the role of this variant in disease. Therefore, it has been classified as a Variant of Uncertain Significance.

GeneDx
Classification: Uncertain significance. Last evaluated: 2022-05-20. Review status: criteria provided, single submitter. Criteria: GeneDx Variant Classification Process June 2021. Collection method: clinical testing. Allele origin: germline. Affected: yes.
Comment: Not observed at significant frequency in large population cohorts (gnomAD); In silico analysis supports that this missense variant has a deleterious effect on protein structure/function; Has not been previously published as pathogenic or benign to our knowledge

Color Diagnostics, LLC DBA Color Health
Classification: Uncertain significance for Hereditary cancer-predisposing syndrome. Last evaluated: 2019-11-26. Review status: criteria provided, single submitter. Criteria: ACMG Guidelines, 2015. Collection method: clinical testing. Allele origin: germline.
Comment: This missense variant replaces alanine with threonine at codon 60 of the CDKN2A protein. Computational prediction is inconclusive regarding the impact of this variant on protein structure and function (internally defined REVEL score threshold 0.5 < inconclusive < 0.7, PMID: 27666373). Splice site prediction tools suggest that this variant may not impact RNA splicing. Experimental functional studies have shown that this variant results in reduced cell cycle arrest activity (PMID 21462282). This variant has been reported in a melanoma tumor (PMID 8023167) and in the germline of two individuals without melanoma (PMID 21462282). This variant has been identified in 1/218966 chromosomes in the general population by the Genome Aggregation Database (gnomAD). The available evidence is insufficient to determine the role of this variant in disease conclusively. Therefore, this variant is classified as a Variant of Uncertain Significance.

Literature cited by the submitters: PubMed 8023167 (cited by Labcorp Genetics (formerly Invitae), Labcorp); PubMed 21462282 (cited by Labcorp Genetics (formerly Invitae), Labcorp).

NM_000077.5(CDKN2A):c.178G>A (p.Ala60Thr)

Gene: CDKN2A (cyclin dependent kinase inhibitor 2A; minus strand). Cytogenetic location: 9p21.3.
Variant type: single nucleotide variant.
Coding change: c.178G>A on transcript NM_000077.5; coding-DNA position 178, G replaced by A.
Protein change: p.Ala60Thr; replaces alanine 60 with threonine.
Molecular consequence: missense variant (on NM_000077.6). On other transcripts: 3 prime UTR variant (1).
Genome position (GRCh38, 1-based): chr9:21,971,181, C>T on the plus strand (G>A on the coding strand, the complement: CDKN2A is on the minus strand). VCF-style: chr9-21971181-C-T. GRCh37 (hg19) VCF-style: chr9-21971180-C-T.
Other names: c.178G>A, p.Ala60Thr (NM_000077.6, NM_001195132.2); c.25G>A, p.Ala9Thr (NM_001363763.2); c.221G>A, p.Gly74Asp (NM_058195.4); c.*101G>A (NM_058197.5); short protein forms A60T, G74D, A9T.
Identifiers: ClinVar variation 406705 (VCV000406705.20), dbSNP rs769382085, ClinGen allele CA5012213.
Genomic context (GRCh38, chr9:21,971,181, plus strand): 5'-GGGTGAGAGTGGCGGGGTCGGCGCAGTTGGGCTCCGCGCCGTGGAGCAGCAGCAGCTCCG[C>T]CACTCGGGCGCTGCCCATCATCATGACCTGCCAGAGAGAACAGAATGGTCAGAGCCAGGG-3'
Protein context (NP_000068.1, residues 50-70): QVMMMGSARV[Ala60Thr]ELLLLHGAEP